The following is an entry in ClinVar:

ClinVar aggregate classification (germline): Uncertain significance. Review status: criteria provided, multiple submitters, no conflicts (2 of 4 stars). 2 submissions from 2 submitters: Uncertain significance (2). Last evaluated 2026-09-04.

Conditions:
Hereditary cancer-predisposing syndrome. Also called: Hereditary Cancer Syndrome; Tumor predisposition; Hereditary neoplastic syndrome; Neoplastic Syndromes, Hereditary. Identifiers: Orphanet 140162, MedGen C0027672, MeSH D009386, MONDO:0015356.

Submissions (2):

Ambry Genetics
Classification: Uncertain significance for Hereditary cancer-predisposing syndrome. Last evaluated: 2026-09-04. Review status: criteria provided, single submitter. Criteria: Ambry Variant Classification Scheme 2023. Collection method: clinical testing. Allele origin: germline.
Comment: The p.L435S variant (also known as c.1304T>C), located in coding exon 9 of the ATM gene, results from a T to C substitution at nucleotide position 1304. The leucine at codon 435 is replaced by serine, an amino acid with dissimilar properties. In an assay testing ATM function, this variant showed a functionally normal result (Lee KS et al. Cell, 2025 Sep;188:5081-5099.e27). This amino acid position is highly conserved in available vertebrate species. In addition, the in silico prediction for this alteration is inconclusive. Based on the available evidence, the clinical significance of this variant remains unclear.

PreventionGenetics, part of Exact Sciences
Classification: Uncertain significance. Last evaluated: 2017-10-27. Review status: criteria provided, single submitter. Criteria: ACMG Guidelines, 2015. Collection method: clinical testing. Allele origin: germline.

Literature cited by the submitters: PubMed 40580951 (cited by Ambry Genetics).

NM_000051.4(ATM):c.1304T>C (p.Leu435Ser)

Gene: ATM (ATM serine/threonine kinase; plus strand). Cytogenetic location: 11q22.3.
Variant type: single nucleotide variant.
Coding change: c.1304T>C on transcript NM_000051.4 (MANE Select); coding-DNA position 1304, T replaced by C.
Protein change: p.Leu435Ser; replaces leucine 435 with serine.
Molecular consequence: missense variant.
Genome position (GRCh38, 1-based): chr11:108,250,769, T>C. VCF-style: chr11-108250769-T-C. GRCh37 (hg19) VCF-style: chr11-108121496-T-C.
Other names: c.1304T>C, p.Leu435Ser (NM_001351834.2); short protein forms L435S.
Identifiers: ClinVar variation 560752 (VCV000560752.3), dbSNP rs1565382166, ClinGen allele CA382533611.
Genomic context (GRCh38, chr11:108,250,769, plus strand): 5'-TTGCAACCCAATTAATATCAAAGTATCCTGCAAGTTTACCTAACTGTGAGCTGTCTCCAT[T>C]ACTGATGATACTATCTCAGCTTCTACCCCAACAGCGACATGGGGAACGTACACCATATGT-3'
Protein context (NP_000042.3, residues 425-445): ASLPNCELSP[Leu435Ser]LMILSQLLPQ